The following is an entry in ClinVar:

NM_001165963.4(SCN1A):c.1265T>C (p.Val422Ala)

Gene: SCN1A (sodium voltage-gated channel alpha subunit 1; minus strand). Cytogenetic location: 2q24.3.
Variant type: single nucleotide variant.
Coding change: c.1265T>C on transcript NM_001165963.4 (MANE Select); coding-DNA position 1265, T replaced by C.
Protein change: p.Val422Ala; replaces valine 422 with alanine.
Molecular consequence: missense variant. On other transcripts: 5 prime UTR variant (1), non-coding transcript variant (1).
Genome position (GRCh38, 1-based): chr2:166,046,882, A>G on the plus strand (T>C on the coding strand, the complement: SCN1A is on the minus strand). VCF-style: chr2-166046882-A-G. GRCh37 (hg19) VCF-style: chr2-166903392-A-G.
Other names: c.1265T>C, p.Val422Ala (NM_001165964.3, NM_001202435.3, NM_001353948.2 and 10 more transcripts); c.-1161T>C (NM_001353961.2); short protein forms V422A.
Identifiers: ClinVar variation 189920 (VCV000189920.1), dbSNP rs121917989, ClinGen allele CA303306.

ClinVar aggregate classification (germline): Pathogenic (1 of 4 stars; one submission).

Conditions:
Severe myoclonic epilepsy in infancy (DRVT). Also called: Epileptic encephalopathy, early infantile, 6 (Dravet syndrome); SEVERE MYOCLONIC EPILEPSY OF INFANCY; DEVELOPMENTAL AND EPILEPTIC ENCEPHALOPATHY 6A; Severe Myoclonic Epilepsy in Infancy (SMEI); Dravet syndrome. Identifiers: Orphanet 33069, MedGen C0751122, MONDO:0100135, OMIM 607208.

Submission:

Center for Bioinformatics, Peking University
Classification: Pathogenic for Dravet syndrome. Last evaluated: 2014-12-20. Review status: criteria provided, single submitter. Criteria: Xu et al. (Hum Mutat. 2015). Collection method: research. Allele origin: de novo. Affected: yes. Observed: 1 variant allele. Study: University Clinical Cooperation “985 Project” PKU-2014-1-1.
Comment: Dravet syndrome (DS) probands were recruited from the outpatient and inpatient child neurology units of Peking University First Hospital from 2005 till present. The study was approved by the Ethics Committee of Peking University First Hospital and the Institutional Review Board at Peking University. Participants or their parents provided written informed consent before enrollment. We collected a total of 267 mutations from 255 families with probands diagnosed with DS in China. All probands fulfilled the clinical diagnostic criteria.